The following is an entry in ClinVar:

ClinVar aggregate classification (germline): Uncertain significance (1 of 4 stars; one submission).

Conditions:
Episodic ataxia type 2 (EA2). Also called: ATAXIA, EPISODIC, WITH NYSTAGMUS; ATAXIA, FAMILIAL PAROXYSMAL; CEREBELLAR ATAXIA, PAROXYSMAL, ACETAZOLAMIDE-RESPONSIVE; CEREBELLOPATHY, HEREDITARY PAROXYSMAL; EPISODIC ATAXIA, NYSTAGMUS-ASSOCIATED; ACETAZOLAMIDE-RESPONSIVE HEREDITARY PAROXYSMAL CEREBELLAR ATAXIA. Identifiers: Orphanet 97, MedGen C1720416, MONDO:0007163, OMIM 108500.
Developmental and epileptic encephalopathy, 42 (DEE42A). Also called: Epileptic encephalopathy, early infantile, 42; DEVELOPMENTAL AND EPILEPTIC ENCEPHALOPATHY 42A; EPILEPTIC ENCEPHALOPATHY, EARLY INFANTILE, 42A. Identifiers: MedGen C4310716, MONDO:0014917, OMIM 617106.

Submission:

Labcorp Genetics (formerly Invitae), Labcorp
Classification: Uncertain significance for Developmental and epileptic encephalopathy, 42; Episodic ataxia type 2. Last evaluated: 2026-01-26. Review status: criteria provided, single submitter. Criteria: Invitae Variant Classification Sherloc (09022015). Collection method: clinical testing. Allele origin: germline.
Comment: This sequence change replaces arginine, which is basic and polar, with cysteine, which is neutral and slightly polar, at codon 11 of the CACNA1A protein (p.Arg11Cys). This variant is not present in population databases (gnomAD no frequency). This variant has not been reported in the literature in individuals affected with CACNA1A-related conditions. ClinVar contains an entry for this variant (Variation ID: 2088172). Invitae Evidence Modeling of protein sequence and biophysical properties (such as structural, functional, and spatial information, amino acid conservation, physicochemical variation, residue mobility, and thermodynamic stability) has been performed for this missense variant. However, the output from this modeling did not meet the statistical confidence thresholds required to predict the impact of this variant on CACNA1A protein function. In summary, the available evidence is currently insufficient to determine the role of this variant in disease. Therefore, it has been classified as a Variant of Uncertain Significance.

NM_001127222.2(CACNA1A):c.31C>T (p.Arg11Cys)

Gene: CACNA1A (calcium voltage-gated channel subunit alpha1 A; minus strand). Cytogenetic location: 19p13.13.
Variant type: single nucleotide variant.
Coding change: c.31C>T on transcript NM_001127222.2 (MANE Select); coding-DNA position 31, C replaced by T.
Protein change: p.Arg11Cys; replaces arginine 11 with cysteine.
Molecular consequence: missense variant.
Genome position (GRCh38, 1-based): chr19:13,506,194, G>A on the plus strand (C>T on the coding strand, the complement: CACNA1A is on the minus strand). VCF-style: chr19-13506194-G-A. GRCh37 (hg19) VCF-style: chr19-13617008-G-A.
Other names: c.31C>T, p.Arg11Cys (NM_000068.4, NM_001127221.2, NM_001174080.2 and 1 more transcripts); short protein forms R11C.
Identifiers: ClinVar variation 2088172 (VCV002088172.4), dbSNP rs2513710289, ClinGen allele CA404971341.